The following continues an entry in ClinVar:

NM_000170.3(GLDC):c.2852C>A (p.Ser951Tyr)

Gene: GLDC. ClinVar aggregate classification (germline): Conflicting classifications of pathogenicity. Pathogenic (3); Likely pathogenic (7); Uncertain significance (8).

Submissions 8 to 19 of 19:

Women's Health and Genetics/Laboratory Corporation of America, LabCorp
Classification: Likely pathogenic for Glycine encephalopathy. Last evaluated: 2025-08-14. Review status: criteria provided, single submitter. Criteria: LabCorp Variant Classification Summary - May 2015. Collection method: clinical testing. Allele origin: germline.
Comment: Variant summary: GLDC c.2852C>A (p.Ser951Tyr) results in a non-conservative amino acid change in the encoded protein sequence. Four of five in-silico tools predict a damaging effect of the variant on protein function. The variant allele was found at a frequency of 0.00034 in 251124 control chromosomes. This frequency is not significantly higher than estimated for a pathogenic variant in GLDC causing Glycine Encephalopathy (Non-Ketotic Hyperglycinemia) (0.00034 vs 0.0031), allowing no conclusion about variant significance. c.2852C>A has been reported in the literature in individuals affected with Non-Ketotic Hyperglycinemia (del Toro_2006, Coughlin_2017, Drackley_2024), and anencephaly (Ishida_2018). At-least one patient with severe Nonketotic hyperglycinemia was homozygous for this variant and a causal variant in AMT (Drackley_2024). These data indicate that the variant may be associated with disease. An assay using transiently transfected COS7 cells showed that the variant had 39% enzymatic activity compared to wild type (del Toro_2006). Additionally, a mouse model found that animals carrying the corresponding variant in mouse Gldc in compound heterozygosity with a null allele had glycine accumulation at 1.3-fold what is seen in control animals (Leung_2020). The following publications have been ascertained in the context of this evaluation (PMID: 27362913, 29205322, 32743799, 16802295, 38572626). ClinVar contains an entry for this variant (Variation ID: 554247). Based on the evidence outlined above, the variant was classified as likely pathogenic.

Blueprint Genetics
Classification: Uncertain significance. Last evaluated: 2024-10-31. Review status: criteria provided, single submitter. Criteria: ACMG Guidelines, 2015. Collection method: clinical testing. Allele origin: germline.

Athena Diagnostics
Classification: Uncertain significance. Last evaluated: 2024-10-15. Review status: criteria provided, single submitter. Criteria: Athena Diagnostics Criteria. Collection method: clinical testing. Allele origin: unknown.
Comment: Available data are insufficient to determine the clinical significance of the variant at this time. The frequency of this variant in the general population is uninformative in assessment of its pathogenicity. Assessment of experimental evidence suggests this variant results in abnormal protein function. (PMID: 16802295, 32743799)

Center for Genomics, Ann and Robert H. Lurie Children's Hospital of Chicago
Classification: Likely pathogenic for Glycine encephalopathy 1. Last evaluated: 2024-02-21. Review status: criteria provided, single submitter. Criteria: ACMG Guidelines, 2015. Collection method: clinical testing. Allele origin: germline. Observed: 1 homozygote.
Comment: This variant has been reported in the literature in trans (on opposite alleles) with a pathogenic variant in one individual with nonketotic hyperglycinemia (NKH), in the heterozygous state in one individual with features suggestive of NKH, and in trans with a pathogenic variant in an individual with NKH at a commercial laboratory (del Toro 2006 PMID: 16802295; Coughlin 2017 PMID: 27362913; ClinVar Variation ID: 554247). It is present in gnomAD (Highest reported MAF, non-bottlenecked: 0.05% [570/1165280]); please note, disease-causing variants may be present in control databases at low frequencies, reflective of carrier status, incomplete penetrance, and/or variable expressivity. An in vitro functional study found that this variant confers approximately 39% residual enzyme activity compared to the wild type (del Toro 2006 PMID: 16802295). Mouse models have supported this, showing that this variant results in mild but still significant elevation of plasma glycine compared to the wild type, as well as increased glycine accumulation in the brain (Leung 2020 PMID: 32743799). Evolutionary conservation and computational predictive tools for this variant weakly support a potential deleterious effect on protein structure or function. The experimental data available for this variant and other variants with similar effects on enzyme activity are consistent with this variant resulting in an attenuated NKH phenotype when homozygous or compound heterozygous with another variant with residual enzyme activity (Coughlin 2017 PMID: 27362913). In summary, this variant is classified as likely pathogenic.

Laboratory of Medical Genetics, National & Kapodistrian University of Athens
Classification: Likely pathogenic for Glycine encephalopathy 1. Last evaluated: 2024-02-01. Review status: criteria provided, single submitter. Criteria: ACMG Guidelines, 2015. Collection method: curation. Allele origin: germline. Affected: no.

Center for Genomics, Ann and Robert H. Lurie Children's Hospital of Chicago
Classification: Likely pathogenic for Glycine encephalopathy 1. Last evaluated: 2023-02-28. Review status: criteria provided, single submitter. Criteria: ACMG Guidelines, 2015. Collection method: clinical testing. Allele origin: germline. Affected: yes. Observed: 1 homozygote.
Comment: GLDC NM_000170.2 p.Ser951Tyr (c.2852C>A): This variant has been reported in the literature in trans with a pathogenic variant in 1 individual with nonketotic hyperglycinemia (NKH), in the heterozygous state in 1 individual with features suggestive of NKH, and in trans with a pathogenic variant in multiple individuals with NKH at a commercial laboratory (del Toro 2006 PMID: 16802295; Coughlin 2017 PMID: 27362913; GeneDx, personal communication). This variant is present in the Genome Aggregation Database (Highest reported MAF: 0.08% [12/15282]); please note, disease-causing variants may be present in control databases at low frequencies, reflective of the general population, carrier status, and/or variable expressivity. It is also present in ClinVar, with classifications ranging from VUS to pathogenic (Variation ID: 554247). Evolutionary conservation and computational predictive tools for this variant weakly suggest that it might impact protein structure or function. An in vitro functional study found that cells with this variant had approximately 39% residual enzymatic activity compared to the wild-type (del Toro 2006 PMID: 16802295). Mouse models have supported this, showing that this variant results in mild but still significant elevation of plasma glycine compared to the wild-type, as well as increased glycine accumulation in the brain (Leung 2020 PMID: 32743799). However, these studies may not accurately represent biological function in humans. Based on the above data, this variant is classified as likely pathogenic but may also be considered hypomorphic, likely causing disease when in trans with a more deleterious pathogenic variant.

Department of Pathology and Laboratory Medicine, Sinai Health System
Classification: Uncertain significance for Glycine encephalopathy 1. Last evaluated: 2021-10-27. Review status: criteria provided, single submitter. Criteria: ACMG Guidelines, 2015. Collection method: research. Allele origin: germline.

Revvity Omics, Revvity
Classification: Likely pathogenic for Glycine encephalopathy 1. Last evaluated: 2021-08-06. Review status: criteria provided, single submitter. Criteria: ACMG Guidelines, 2015. Collection method: clinical testing. Allele origin: germline.

New York Genome Center
Classification: Uncertain significance for Glycine encephalopathy 1. Last evaluated: 2021-02-26. Review status: criteria provided, single submitter. Criteria: NYGC Assertion Criteria 2020. Collection method: clinical testing. Allele origin: inherited. Observed: 1 compound heterozygote. Study: CSER-NYCKidSeq.
Comment: The c.2852C>A (p.Ser951Tyr) variant identified in the GLDC gene substitutes a moderately conserved Serine for Tyrosine at amino acid 951/1021 (exon 24/25). This variant is found with low frequency in gnomAD(v3.1) (55 heterozygotes, 0 homozygotes, allele frequency: 3.6e-4) suggesting it is not a common benign variant in the populations represented in that databases. In silico algorithms predict this variant to be Damaging (SIFT; score: 0.00) and Pathogenic (REVEL; score: 0.6449) to the function of the canonical transcript. This variant is reported in ClinVar as a Variant of Uncertain Significance (VarID:554247), and has been reported in 2 individuals with Glycine Encephalopathy [PMID:16802295; PMID:27362913], and has also been observed in a fetus with anencephaly [PMID:29205322], although its clinical relevance to the anencephaly phenotype is unclear. Expression analysis in COS-7 cells from an individual with the p.Ser951Tyr variant suggest this variant has approximately 39% residual enzyme activity [PMID:16802295], and this finding is supported by recent studies in an equivalent mouse model (GldcS956Ymice) [PMID:32743799]. The c.2852C>A (p.Ser951Tyr) variant identified in the GLDC gene is reported as a Variant of Uncertain Significance.

Fulgent Genetics
Classification: Uncertain significance for Glycine encephalopathy 1. Last evaluated: 2018-10-31. Review status: criteria provided, single submitter. Criteria: ACMG Guidelines, 2015. Collection method: clinical testing. Allele origin: unknown.

Illumina Laboratory Services, Illumina
Classification: Uncertain significance for Glycine encephalopathy 1. Last evaluated: 2017-04-27. Review status: criteria provided, single submitter. Criteria: ICSL Variant Classification Criteria 13 December 2019. Collection method: clinical testing. Allele origin: germline.
Comment: This variant was observed as part of a predisposition screen in an ostensibly healthy population. A literature search was performed for the gene, cDNA change, and amino acid change (where applicable). Publications were found based on this search. However, the evidence from the literature, in combination with allele frequency data from public databases where available, was not sufficient to rule this variant in or out of causing disease. Therefore, this variant is classified as a variant of unknown significance.

Counsyl
Classification: Uncertain significance for Glycine encephalopathy 1. Last evaluated: 2017-10-03. Review status: no assertion criteria provided. Collection method: clinical testing. Allele origin: unknown. Not counted in ClinVar's aggregate classification.

Literature cited by the submitters: PubMed 16802295 (cited by 10 submitters); PubMed 27362913 (cited by 10 submitters); PubMed 38572626 (cited by 6 submitters); PubMed 32743799 (cited by 7 submitters); PubMed 38539105 (cited by Victorian Clinical Genetics Services, Murdoch Childrens Research Institute and Athena Diagnostics); PubMed 39488673 (cited by Victorian Clinical Genetics Services, Murdoch Childrens Research Institute); PubMed 29205322 (cited by 3 submitters); PubMed 29300369 (cited by Athena Diagnostics); PubMed 32421718 (cited by Athena Diagnostics).